The following is an entry in ClinVar:

ClinVar aggregate classification (germline): Benign (1 of 4 stars; one submission).

Allele frequency attached by ClinVar (database versions not stated): gnomAD exomes 0.12382; 1000 Genomes Project 30x 0.13663; 1000 Genomes Project 0.13698; gnomAD 0.13999 and 0.14282; TOPMed 0.14492.
gnomAD v4.1: 93,284 of 733,688 alleles (13%); highest among the groups gnomAD compares: African/African-American, 18%; 6,614 homozygotes.

Submission:

GeneDx
Classification: Benign. Last evaluated: 2018-06-16. Review status: criteria provided, single submitter. Criteria: GeneDx Variant Classification (06012015). Collection method: clinical testing. Allele origin: germline. Affected: yes.
Comment: This variant is considered likely benign or benign based on one or more of the following criteria: it is a conservative change, it occurs at a poorly conserved position in the protein, it is predicted to be benign by multiple in silico algorithms, and/or has population frequency not consistent with disease.

NM_003476.5(CSRP3):c.112+126T>C

Gene: CSRP3 (cysteine and glycine rich protein 3; minus strand). Cytogenetic location: 11p15.1.
Variant type: single nucleotide variant.
Coding change: c.112+126T>C on transcript NM_003476.5 (MANE Select); 126 bases into the intron after coding-DNA position 112, T replaced by C.
Molecular consequence: intron variant.
Genome position (GRCh38, 1-based): chr11:19,192,211, A>G on the plus strand (T>C on the coding strand, the complement: CSRP3 is on the minus strand). VCF-style: chr11-19192211-A-G. GRCh37 (hg19) VCF-style: chr11-19213758-A-G.
Other names: c.112+126T>C (NM_001369404.1).
Identifiers: ClinVar variation 672479 (VCV000672479.1), dbSNP rs7933605, ClinGen allele CA13479112.